The following is an entry in ClinVar:

NM_002693.3(POLG):c.3225G>C (p.Leu1075=)

Gene: POLG (DNA polymerase gamma, catalytic subunit; minus strand). Cytogenetic location: 15q26.1.
Variant type: single nucleotide variant.
Coding change: c.3225G>C on transcript NM_002693.3 (MANE Select); coding-DNA position 3225, G replaced by C.
Protein change: p.Leu1075=; no amino-acid change (leucine 1075 retained).
Molecular consequence: synonymous variant.
Genome position (GRCh38, 1-based): chr15:89,318,979, C>G on the plus strand (G>C on the coding strand, the complement: POLG is on the minus strand). VCF-style: chr15-89318979-C-G. GRCh37 (hg19) VCF-style: chr15-89862210-C-G.
Other names: c.3225G>C, p.Leu1075= (NM_001126131.2).
Identifiers: ClinVar variation 4873595 (VCV004873595.2).
Genomic context (GRCh38, chr15:89,318,979, plus strand): 5'-GTAGCAAGATACCTCTTCCTGGACAGCCGAGGGCTCCAGGGCTCGGCTGATGCAGCAGCC[C>G]AGCACCGGGGTACGTGGTATGTCAGACGTAGCAATGCTCTCAAGCTTATTGAACATTTCT-3'
Protein context (NP_002684.1, residues 1065-1085): ATSDIPRTPV[Leu1075=]GCCISRALEP

ClinVar aggregate classification (germline): Likely benign (1 of 4 stars; one submission).

gnomAD v4.1: 2 of 1,614,150 alleles (0.00012%); highest among the groups gnomAD compares: Non-Finnish European, 0.00017%; no homozygotes.

Submission:

CeGaT Center for Human Genetics Tuebingen
Classification: Likely benign. Last evaluated: 2026-08-01. Review status: criteria provided, single submitter. Criteria: CeGaT Center For Human Genetics Tuebingen Variant Classification Criteria Version 2. Collection method: clinical testing. Allele origin: germline. Affected: yes. Observed: 2 variant alleles.
Comment: POLG: BP4, BP7